The following is an entry in ClinVar:

ClinVar aggregate classification (germline): Likely pathogenic (1 of 4 stars; one submission).

Conditions:
Fabry disease. Also called: Fabry's disease; ALPHA-GALACTOSIDASE A DEFICIENCY; ANDERSON-FABRY DISEASE; CERAMIDE TRIHEXOSIDASE DEFICIENCY; GLA DEFICIENCY; HEREDITARY DYSTOPIC LIPIDOSIS. Identifiers: Orphanet 324, MedGen C0002986, MONDO:0010526, OMIM 301500, HP:0001071. Disease mechanism: Fabry disease is due to inactivating mutations in the X-linked GLA gene resulting in deficiency of the enzyme Alpha Galactosidase-A., loss of function.

Submission:

Genomenon, Inc
Classification: Likely pathogenic for Fabry disease. Last evaluated: 2026-09-08. Review status: criteria provided, single submitter. Criteria: Genomenon Sequence Variant Interpretation Standards - Updated. Collection method: curation. Allele origin: germline. Affected: yes.
Comment: GLA p.Asp231Tyr (c.691_693delinsTAT) is a deletion-insertion variant that changes the amino acid at codon 231 from Aspartic acid to Tyrosine. This variant has been observed in at least one proband with clinical features consistent with Fabry disease (PMID:32843101). Functional or patient cell studies have been reported (PMID:32843101). This variant is located in a mutational hotspot and/or important functional domain. It is absent or not present at a significant frequency in gnomAD. In silico models predict that this variant is possibly or probably damaging. In conclusion, we classify GLA p.Asp231Tyr (c.691_693delinsTAT) as a likely pathogenic variant.

Literature cited by the submitters: PubMed 32843101.

NM_000169.3(GLA):c.691_693delinsTAT (p.Asp231Tyr)

Genes: GLA (galactosidase alpha; minus strand), RPL36A-HNRNPH2 (RPL36A-HNRNPH2 readthrough; plus strand). Cytogenetic location: Xq22.1.
Variant type: Indel.
Coding change: c.691_693delinsTAT on transcript NM_000169.3 (MANE Select); coding-DNA positions 691 to 693, GAC replaced by TAT.
Protein change: p.Asp231Tyr; replaces aspartic acid 231 with tyrosine.
Molecular consequence: missense variant. On other transcripts: non-coding transcript variant (3), intron variant (2).
Genome position (GRCh38, 1-based): chrX:101,398,893-101,398,895, GTC replaced by ATA on the plus strand (GAC replaced by TAT on the coding strand, the reverse complement: GLA is on the minus strand). VCF-style: chrX-101398893-GTC-ATA. GRCh37 (hg19) VCF-style: chrX-100653881-GTC-ATA.
Other names: c.814_816delinsTAT, p.Asp272Tyr (NM_001406747.1); c.691_693delinsTAT, p.Asp231Tyr (NM_001406748.1); c.300+3436_300+3438delinsATA (NM_001199973.2); c.177+7071_177+7073delinsATA (NM_001199974.2); short protein forms D231Y, D272Y.
Identifiers: ClinVar variation 4974911 (VCV004974911.1).